The following is an entry in ClinVar:

ClinVar aggregate classification (germline): Likely pathogenic. Review status: criteria provided, single submitter (1 of 4 stars). 2 submissions from 2 submitters: Likely pathogenic (1). 1 of the submissions does not count toward it. Last evaluated 2020-10-09.

Conditions:
Epidermolysis bullosa simplex 3, localized or generalized intermediate, with BP230 deficiency (EBS3). Also called: Epidermolysis bullosa simplex, autosomal recessive 2; Epidermolysis bullosa simplex due to BP230 deficiency. Identifiers: Orphanet 412181, MedGen C3809470, MONDO:0014180, OMIM 615425.
Hereditary sensory and autonomic neuropathy type 6. Also called: HSAN VI; Neuropathy, hereditary sensory and autonomic, type VI. Identifiers: Orphanet 314381, MedGen C3539003, MONDO:0013839, OMIM 614653.
Distal spinal muscular atrophy. Also called: Distal hereditary motor neuronopathy; Distal hereditary motor neuropathy. Identifiers: Orphanet 53739, MedGen C0393541, MONDO:0018894.

Allele frequency attached by ClinVar (database versions not stated): gnomAD exomes below 0.00001.

Submissions (2):

Labcorp Genetics (formerly Invitae), Labcorp
Classification: Likely pathogenic for Epidermolysis bullosa simplex 3, localized or generalized intermediate, with BP230 deficiency; Hereditary sensory and autonomic neuropathy type 6. Last evaluated: 2020-10-09. Review status: criteria provided, single submitter. Criteria: Invitae Variant Classification Sherloc (09022015). Collection method: clinical testing. Allele origin: germline.
Comment: Algorithms developed to predict the effect of sequence changes on RNA splicing suggest that this variant may disrupt the consensus splice site, but this prediction has not been confirmed by published transcriptional studies. Donor and acceptor splice site variants typically lead to a loss of protein function (PMID: 16199547), and loss-of-function variants in DST are known to be pathogenic (PMID: 25059916). In summary, the currently available evidence indicates that the variant is pathogenic, but additional data are needed to prove that conclusively. Therefore, this variant has been classified as Likely Pathogenic. This variant has not been reported in the literature in individuals with DST-related disease. This variant is not present in population databases (ExAC no frequency). This sequence change affects an acceptor splice site in intron 9 of the DST gene. It is expected to disrupt RNA splicing and likely results in an absent or disrupted protein product.

Inherited Neuropathy Consortium
Classification: Uncertain significance for Distal spinal muscular atrophy. Review status: no assertion criteria provided. Collection method: provider interpretation. Allele origin: inherited. Affected: yes. Not counted in ClinVar's aggregate classification.

Literature cited by the submitters: PubMed 16199547 (cited by Labcorp Genetics (formerly Invitae), Labcorp); PubMed 25059916 (cited by Labcorp Genetics (formerly Invitae), Labcorp).

NM_001374736.1(DST):c.3061-2A>T

Gene: DST (dystonin; minus strand). Cytogenetic location: 6p12.1.
Variant type: single nucleotide variant.
Coding change: c.3061-2A>T on transcript NM_001374736.1 (MANE Select); the canonical splice acceptor site of the intron before coding-DNA position 3061, A replaced by T.
Molecular consequence: splice acceptor variant.
Genome position (GRCh38, 1-based): chr6:56,635,716, T>A on the plus strand (A>T on the coding strand, the complement: DST is on the minus strand). VCF-style: chr6-56635716-T-A. GRCh37 (hg19) VCF-style: chr6-56500514-T-A.
Other names: c.2962-2A>T (NM_001144769.5); c.3061-2A>T (NM_001374722.1); c.3088-2A>T (NM_001374734.1); c.2548-2A>T (NM_001144770.2); c.2428-2A>T (NM_001374730.1, NM_001386100.1, NM_183380.4 and 1 more transcripts); c.1450-2A>T (NM_015548.5, NM_001723.7).
Identifiers: ClinVar variation 664361 (VCV000664361.10), dbSNP rs1454639285, ClinGen allele CA364576832.